The following is an entry in ClinVar:

ClinVar aggregate classification (germline): Uncertain significance. Review status: criteria provided, multiple submitters, no conflicts (2 of 4 stars). 2 submissions from 2 submitters: Uncertain significance (2). Last evaluated 2024-10-07.

Conditions:
Alstrom syndrome (ALMS). Identifiers: Orphanet 64, MedGen C0268425, MONDO:0008763, OMIM 203800.

Allele frequency attached by ClinVar (database versions not stated): gnomAD exomes below 0.00001 and 0.00001; TOPMed below 0.00001.
gnomAD v4.1: 10 of 1,613,996 alleles (0.00062%); highest among the groups gnomAD compares: South Asian, 0.0011%; no homozygotes.

Submissions (2):

Labcorp Genetics (formerly Invitae), Labcorp
Classification: Uncertain significance for Alstrom syndrome. Last evaluated: 2024-10-07. Review status: criteria provided, single submitter. Criteria: Invitae Variant Classification Sherloc (09022015). Collection method: clinical testing. Allele origin: germline.
Comment: This sequence change replaces glycine, which is neutral and non-polar, with aspartic acid, which is acidic and polar, at codon 2474 of the ALMS1 protein (p.Gly2474Asp). This variant is present in population databases (no rsID available, gnomAD 0.0009%). This variant has not been reported in the literature in individuals affected with ALMS1-related conditions. ClinVar contains an entry for this variant (Variation ID: 836426). Experimental studies and prediction algorithms are not available or were not evaluated, and the functional significance of this variant is currently unknown. In summary, the available evidence is currently insufficient to determine the role of this variant in disease. Therefore, it has been classified as a Variant of Uncertain Significance.

CeGaT Center for Human Genetics Tuebingen
Classification: Uncertain significance. Last evaluated: 2024-02-01. Review status: criteria provided, single submitter. Criteria: CeGaT Center For Human Genetics Tuebingen Variant Classification Criteria Version 2. Collection method: clinical testing. Allele origin: germline. Affected: yes. Observed: 1 variant allele.
Comment: ALMS1: PM2, BP4

NM_001378454.1(ALMS1):c.7418G>A (p.Gly2473Asp)

Gene: ALMS1 (ALMS1 centrosome and basal body associated protein; plus strand). Cytogenetic location: 2p13.1.
Variant type: single nucleotide variant.
Coding change: c.7418G>A on transcript NM_001378454.1 (MANE Select); coding-DNA position 7418, G replaced by A.
Protein change: p.Gly2473Asp; replaces glycine 2473 with aspartic acid.
Molecular consequence: missense variant.
Genome position (GRCh38, 1-based): chr2:73,453,945, G>A. VCF-style: chr2-73453945-G-A. GRCh37 (hg19) VCF-style: chr2-73681072-G-A.
Other names: c.7421G>A, p.Gly2474Asp (NM_015120.4); short protein forms G2474D, G2473D.
Identifiers: ClinVar variation 836426 (VCV000836426.30), dbSNP rs1348368424, ClinGen allele CA347292426.